The following is an entry in ClinVar:

NM_000264.5(PTCH1):c.146A>T (p.Tyr49Phe)

Genes: PTCH1 (patched 1; minus strand), LOC130002133 (ATAC-STARR-seq lymphoblastoid silent region 20071; plus strand). Cytogenetic location: 9q22.32.
Variant type: single nucleotide variant.
Coding change: c.146A>T on transcript NM_000264.5 (MANE Select); coding-DNA position 146, A replaced by T.
Protein change: p.Tyr49Phe; replaces tyrosine 49 with phenylalanine.
Molecular consequence: missense variant. On other transcripts: non-coding transcript variant (1), intron variant (3).
Genome position (GRCh38, 1-based): chr9:95,508,216, T>A on the plus strand (A>T on the coding strand, the complement: PTCH1 is on the minus strand). VCF-style: chr9-95508216-T-A. GRCh37 (hg19) VCF-style: chr9-98270498-T-A.
Other names: c.146A>T, p.Tyr49Phe (NM_001354918.2); c.199-1617A>T (NM_001083603.3); c.4-1617A>T (NM_001083602.3, NM_001354919.2); short protein forms Y49F.
Identifiers: ClinVar variation 409207 (VCV000409207.14), dbSNP rs774156512, ClinGen allele CA16612690.

ClinVar aggregate classification (germline): Uncertain significance (1 of 4 stars; one submission).

Conditions:
Gorlin syndrome. Also called: Nevoid Basal Cell Carcinoma Syndrome; Basal cell nevus syndrome. Identifiers: Orphanet 377, MedGen C0004779, MONDO:0007187.

Submission:

Labcorp Genetics (formerly Invitae), Labcorp
Classification: Uncertain significance for Gorlin syndrome. Last evaluated: 2022-05-09. Review status: criteria provided, single submitter. Criteria: Invitae Variant Classification Sherloc (09022015). Collection method: clinical testing. Allele origin: germline.
Comment: This sequence change replaces tyrosine, which is neutral and polar, with phenylalanine, which is neutral and non-polar, at codon 49 of the PTCH1 protein (p.Tyr49Phe). In summary, the available evidence is currently insufficient to determine the role of this variant in disease. Therefore, it has been classified as a Variant of Uncertain Significance. Advanced modeling of protein sequence and biophysical properties (such as structural, functional, and spatial information, amino acid conservation, physicochemical variation, residue mobility, and thermodynamic stability) performed at Invitae indicates that this missense variant is not expected to disrupt PTCH1 protein function. ClinVar contains an entry for this variant (Variation ID: 409207). This variant has not been reported in the literature in individuals affected with PTCH1-related conditions. This variant is not present in population databases (gnomAD no frequency).